The following is an entry in ClinVar:

ClinVar aggregate classification (germline): Pathogenic/Likely pathogenic. Review status: criteria provided, multiple submitters, no conflicts (2 of 4 stars). 5 submissions from 5 submitters: Pathogenic (4); Likely pathogenic (1). Last evaluated 2024-05-15.

Conditions:
Familial hypokalemia-hypomagnesemia (GTLMNS). Also called: HYPOMAGNESEMIA-HYPOKALEMIA, PRIMARY RENOTUBULAR, WITH HYPOCALCIURIA; POTASSIUM AND MAGNESIUM DEPLETION; gitelman syndrome. Identifiers: Orphanet 358, MedGen C0268450, MONDO:0009904, OMIM 263800.
SLC12A3-related disorder. Also called: SLC12A3-related condition.

Submissions (5):

Fulgent Genetics
Classification: Likely pathogenic for Familial hypokalemia-hypomagnesemia. Last evaluated: 2024-05-15. Review status: criteria provided, single submitter. Criteria: ACMG Guidelines, 2015. Collection method: clinical testing. Allele origin: germline.

Women's Health and Genetics/Laboratory Corporation of America, LabCorp
Classification: Pathogenic for Familial hypokalemia-hypomagnesemia. Last evaluated: 2024-05-15. Review status: criteria provided, single submitter. Criteria: LabCorp Variant Classification Summary - May 2015. Collection method: clinical testing. Allele origin: germline.
Comment: Variant summary: SLC12A3 c.1288T>G (p.Cys430Gly) results in a non-conservative amino acid change located in the Amino acid permease/ SLC12A domain (IPR004841) of the encoded protein sequence. Five of five in-silico tools predict a damaging effect of the variant on protein function. The variant was absent in 249316 control chromosomes. c.1288T>G has been reported in the literature in multiple individuals affected with Gitelman syndrome (examples: Shao_2008 and Zhang_2020). These data indicate that the variant is very likely to be associated with disease. The following publications have been ascertained in the context of this evaluation (PMID: 18287808, 18287808). ClinVar contains an entry for this variant (Variation ID: 1459109). Based on the evidence outlined above, the variant was classified as pathogenic.

Labcorp Genetics (formerly Invitae), Labcorp
Classification: Pathogenic. Last evaluated: 2024-01-31. Review status: criteria provided, single submitter. Criteria: Invitae Variant Classification Sherloc (09022015). Collection method: clinical testing. Allele origin: germline.
Comment: This sequence change replaces cysteine, which is neutral and slightly polar, with glycine, which is neutral and non-polar, at codon 430 of the SLC12A3 protein (p.Cys430Gly). This variant is not present in population databases (gnomAD no frequency). This missense change has been observed in individuals with Gitelman syndrome (PMID: 18287808, 22934535, 30413979, 31398183). ClinVar contains an entry for this variant (Variation ID: 1459109). Advanced modeling of protein sequence and biophysical properties (such as structural, functional, and spatial information, amino acid conservation, physicochemical variation, residue mobility, and thermodynamic stability) performed at Invitae indicates that this missense variant is expected to disrupt SLC12A3 protein function with a positive predictive value of 95%. This variant disrupts the p.Cys430 amino acid residue in SLC12A3. Other variant(s) that disrupt this residue have been determined to be pathogenic (PMID: 21415153, 30596175). This suggests that this residue is clinically significant, and that variants that disrupt this residue are likely to be disease-causing. For these reasons, this variant has been classified as Pathogenic.

Blueprint Genetics
Classification: Pathogenic for SLC12A3-related disorders. Last evaluated: 2023-09-05. Review status: criteria provided, single submitter. Criteria: ACMG Guidelines, 2015. Collection method: clinical testing. Allele origin: germline. Affected: yes. Observed: 1 variant allele.

Juno Genomics, Hangzhou Juno Genomics, Inc
Classification: Pathogenic for Familial hypokalemia-hypomagnesemia. Review status: criteria provided, single submitter. Criteria: ACMG Guidelines, 2015. Collection method: clinical testing. Allele origin: germline. Affected: yes.
Comment: Absent from controls (or at extremely low frequency if recessive) in Genome Aggregation Database.;Multiple lines of computational evidence support a deleterious effect on the gene or gene product.;For recessive disorders, detected in trans with a pathogenic variant.;Patient's phenotype or family history is highly specific for a disease with a single genetic etiology.

Literature cited by the submitters: PubMed 18287808 (cited by Women's Health and Genetics/Laboratory Corporation of America, LabCorp and Labcorp Genetics (formerly Invitae), Labcorp); PubMed 22934535 (cited by Labcorp Genetics (formerly Invitae), Labcorp); PubMed 30413979 (cited by Labcorp Genetics (formerly Invitae), Labcorp); PubMed 31398183 (cited by Labcorp Genetics (formerly Invitae), Labcorp); PubMed 21415153 (cited by Labcorp Genetics (formerly Invitae), Labcorp); PubMed 30596175 (cited by Labcorp Genetics (formerly Invitae), Labcorp).

NM_001126108.2(SLC12A3):c.1288T>G (p.Cys430Gly)

Gene: SLC12A3 (solute carrier family 12 member 3; plus strand). Cytogenetic location: 16q13.
Variant type: single nucleotide variant.
Coding change: c.1288T>G on transcript NM_001126108.2 (MANE Select); coding-DNA position 1288, T replaced by G.
Protein change: p.Cys430Gly; replaces cysteine 430 with glycine.
Molecular consequence: missense variant.
Genome position (GRCh38, 1-based): chr16:56,879,180, T>G. VCF-style: chr16-56879180-T-G. GRCh37 (hg19) VCF-style: chr16-56913092-T-G.
Other names: c.1288T>G, p.Cys430Gly (NM_000339.3); c.1285T>G, p.Cys429Gly (NM_001126107.2); short protein forms C429G, C430G.
Identifiers: ClinVar variation 1459109 (VCV001459109.12), dbSNP rs2144711663, ClinGen allele CA395986127.